The following is an entry in ClinVar:

ClinVar aggregate classification (germline): Benign. Review status: criteria provided, multiple submitters, no conflicts (2 of 4 stars). 3 submissions from 3 submitters: Benign (2). 1 of the submissions does not count toward it. Last evaluated 2025-12-29.

Conditions:
DNAH9-related disorder. Also called: DNAH9-related condition.

Allele frequency attached by ClinVar (database versions not stated): ExAC 0.00440; 1000 Genomes Project 30x 0.00484; 1000 Genomes Project 0.00499; ESP Exome Variant Server 0.00069; gnomAD 0.00091 and 0.00161; TOPMed 0.00101; gnomAD exomes 0.00239 and 0.00413.
gnomAD v4.1: 3,764 of 1,613,892 alleles (0.23%); highest among the groups gnomAD compares: South Asian, 2.5%; 64 homozygotes.

Submissions (6):

Labcorp Genetics (formerly Invitae), Labcorp
Classification: Benign. Last evaluated: 2025-12-29. Review status: criteria provided, single submitter. Criteria: Invitae Variant Classification Sherloc (09022015). Collection method: clinical testing. Allele origin: germline.

Breakthrough Genomics
Classification: Benign. Review status: criteria provided, single submitter. Criteria: ACMG Guidelines, 2015. Collection method: not provided. Allele origin: germline. Inheritance: Autosomal recessive inheritance. Affected: yes.

PreventionGenetics, part of Exact Sciences
Classification: Benign for DNAH9-related condition. Last evaluated: 2019-05-08. Review status: no assertion criteria provided. Collection method: clinical testing. Allele origin: germline. Not counted in ClinVar's aggregate classification.
Comment: This variant is classified as benign based on ACMG/AMP sequence variant interpretation guidelines (Richards et al. 2015 PMID: 25741868, with internal and published modifications).

Dr. Peter K. Rogan Lab, Western University
No classification provided (evidence only). Condition: Thyroid cancer, nonmedullary, 1. Review status: no classification provided. Collection method: in vitro. Allele origin: not applicable. Functional consequence: retained intron. Not counted in ClinVar's aggregate classification.

Dr. Peter K. Rogan Lab, Western University
No classification provided (evidence only). Condition: Thyroid cancer, nonmedullary, 1. Review status: no classification provided. Collection method: in vitro. Allele origin: not applicable. Functional consequence: retained intron. Not counted in ClinVar's aggregate classification.

Dr. Peter K. Rogan Lab, Western University
No classification provided (evidence only). Condition: Malignant tumor of esophagus. Review status: no classification provided. Collection method: in vitro. Allele origin: not applicable. Functional consequence: retained intron. Not counted in ClinVar's aggregate classification.

NM_001372.4(DNAH9):c.2519A>G (p.Asp840Gly)

Gene: DNAH9 (dynein axonemal heavy chain 9; plus strand). Cytogenetic location: 17p12.
Variant type: single nucleotide variant.
Coding change: c.2519A>G on transcript NM_001372.4 (MANE Select); coding-DNA position 2519, A replaced by G.
Protein change: p.Asp840Gly; replaces aspartic acid 840 with glycine.
Molecular consequence: missense variant.
Genome position (GRCh38, 1-based): chr17:11,652,926, A>G. VCF-style: chr17-11652926-A-G. GRCh37 (hg19) VCF-style: chr17-11556243-A-G.
Other names: short protein forms D840G.
Identifiers: ClinVar variation 773067 (VCV000773067.13), dbSNP rs151174418, ClinGen allele CA8395191.